The following is an entry in ClinVar:

NM_001250.6(CD40):c.268C>T (p.Arg90Trp)

Gene: CD40 (CD40 molecule; plus strand). Cytogenetic location: 20q13.12.
Variant type: single nucleotide variant.
Coding change: c.268C>T on transcript NM_001250.6 (MANE Select); coding-DNA position 268, C replaced by T.
Protein change: p.Arg90Trp; replaces arginine 90 with tryptophan.
Molecular consequence: missense variant. On other transcripts: non-coding transcript variant (2).
Genome position (GRCh38, 1-based): chr20:46,122,621, C>T. VCF-style: chr20-46122621-C-T. GRCh37 (hg19) VCF-style: chr20-44751260-C-T.
Other names: c.268C>T, p.Arg90Trp (NM_001302753.2, NM_001322421.2, NM_001322422.2 and 2 more transcripts); short protein forms R90W.
Identifiers: ClinVar variation 1940970 (VCV001940970.2), dbSNP rs144542285, ClinGen allele CA9888427.
Genomic context (GRCh38, chr20:46,122,621, plus strand): 5'-AGCATGGCCCAGCAGGGGGTTCCCATCCTTCCTGCCCTTCTCTTCTCAGACCTAGGGCTT[C>T]GGGTCCAGCAGAAGGGCACCTCAGAAACAGACACCATCTGCACCTGTGAAGAAGGCTGGC-3'
Protein context (NP_001241.1, residues 80-100): HKYCDPNLGL[Arg90Trp]VQQKGTSETD

ClinVar aggregate classification (germline): Uncertain significance (1 of 4 stars; one submission).

Allele frequency attached by ClinVar (database versions not stated): ExAC 0.00001; gnomAD 0.00001; TOPMed 0.00002; ESP Exome Variant Server 0.00008.
gnomAD v4.1: 21 of 1,613,950 alleles (0.0013%); highest among the groups gnomAD compares: South Asian, 0.0022%; no homozygotes.

Submission:

Labcorp Genetics (formerly Invitae), Labcorp
Classification: Uncertain significance. Last evaluated: 2022-05-15. Review status: criteria provided, single submitter. Criteria: Invitae Variant Classification Sherloc (09022015). Collection method: clinical testing. Allele origin: germline.
Comment: This sequence change replaces arginine, which is basic and polar, with tryptophan, which is neutral and slightly polar, at codon 90 of the CD40 protein (p.Arg90Trp). This variant is present in population databases (rs144542285, gnomAD 0.0009%). This variant has not been reported in the literature in individuals affected with CD40-related conditions. Algorithms developed to predict the effect of missense changes on protein structure and function (SIFT, PolyPhen-2, Align-GVGD) all suggest that this variant is likely to be tolerated. In summary, the available evidence is currently insufficient to determine the role of this variant in disease. Therefore, it has been classified as a Variant of Uncertain Significance.